The following is an entry in ClinVar:

NM_014956.5(CEP164):c.3990G>A (p.Thr1330=)

Gene: CEP164 (centrosomal protein 164; plus strand). Cytogenetic location: 11q23.3.
Variant type: single nucleotide variant.
Coding change: c.3990G>A on transcript NM_014956.5 (MANE Select); coding-DNA position 3990, G replaced by A.
Protein change: p.Thr1330=; no amino-acid change (threonine 1330 retained).
Molecular consequence: synonymous variant.
Genome position (GRCh38, 1-based): chr11:117,409,859, G>A. VCF-style: chr11-117409859-G-A. GRCh37 (hg19) VCF-style: chr11-117280575-G-A.
Other names: c.3975G>A, p.Thr1325= (NM_001271933.2); c.3990G>A (NM_014956.4).
Identifiers: ClinVar variation 2186024 (VCV002186024.5), dbSNP rs759899672, ClinGen allele CA6295636.
Genomic context (GRCh38, chr11:117,409,859, plus strand): 5'-CACCCCCACCTACTATGGCTCCCTGGCCAGGTTCTCAGCCTTATCATCTGCTACACCCAC[G>A]TCCACCCAATGGGCCTGGGATTCAGGGCAGGGGCCCAGGCTCCCCTCCTCTGTGGCTCAA-3'
Protein context (NP_055771.4, residues 1320-1340): RFSALSSATP[Thr1330=]STQWAWDSGQ

ClinVar aggregate classification (germline): Likely benign. Review status: criteria provided, multiple submitters, no conflicts (2 of 4 stars). 2 submissions from 2 submitters: Likely benign (2). Last evaluated 2025-01-30.

Conditions:
Nephronophthisis 15 (NPHP15). Identifiers: Orphanet 3156, MedGen C3541853, MONDO:0013917, OMIM 614845.
CEP164-related disorder. Also called: CEP164-related condition.

Allele frequency attached by ClinVar (database versions not stated): gnomAD 0.00003; gnomAD exomes 0.00003; TOPMed 0.00003; ExAC 0.00004.
gnomAD v4.1: 39 of 1,333,284 alleles (0.0029%); highest among the groups gnomAD compares: Non-Finnish European, 0.0033%; no homozygotes.

Submissions (2):

PreventionGenetics, part of Exact Sciences
Classification: Likely benign for CEP164-related condition. Last evaluated: 2025-01-30. Review status: criteria provided, single submitter. Criteria: ACMG Guidelines, 2015. Collection method: clinical testing. Allele origin: germline.
Comment: This variant is classified as likely benign based on ACMG/AMP sequence variant interpretation guidelines (Richards et al. 2015 PMID: 25741868, with internal and published modifications).

Labcorp Genetics (formerly Invitae), Labcorp
Classification: Likely benign for Nephronophthisis 15. Last evaluated: 2024-10-24. Review status: criteria provided, single submitter. Criteria: Invitae Variant Classification Sherloc (09022015). Collection method: clinical testing. Allele origin: germline.